The following is an entry in ClinVar:

NM_005033.3(EXOSC9):c.537G>T (p.Glu179Asp)

Gene: EXOSC9 (exosome component 9; plus strand). Cytogenetic location: 4q27.
Variant type: single nucleotide variant.
Coding change: c.537G>T on transcript NM_005033.3 (MANE Select); coding-DNA position 537, G replaced by T.
Protein change: p.Glu179Asp; replaces glutamic acid 179 with aspartic acid.
Molecular consequence: missense variant.
Genome position (GRCh38, 1-based): chr4:121,807,554, G>T. VCF-style: chr4-121807554-G-T. GRCh37 (hg19) VCF-style: chr4-122728709-G-T.
Other names: c.537G>T, p.Glu179Asp (NM_001034194.2); short protein forms E179D.
Identifiers: ClinVar variation 2087998 (VCV002087998.4), dbSNP rs141111329, ClinGen allele CA358043615.

ClinVar aggregate classification (germline): Uncertain significance (1 of 4 stars; one submission).

Allele frequency attached by ClinVar (database versions not stated): gnomAD exomes below 0.00001.

Submission:

Labcorp Genetics (formerly Invitae), Labcorp
Classification: Uncertain significance. Last evaluated: 2022-01-19. Review status: criteria provided, single submitter. Criteria: Invitae Variant Classification Sherloc (09022015). Collection method: clinical testing. Allele origin: germline.
Comment: In summary, the available evidence is currently insufficient to determine the role of this variant in disease. Therefore, it has been classified as a Variant of Uncertain Significance. This sequence change replaces glutamic acid, which is acidic and polar, with aspartic acid, which is acidic and polar, at codon 179 of the EXOSC9 protein (p.Glu179Asp). This variant is not present in population databases (gnomAD no frequency). This variant has not been reported in the literature in individuals affected with EXOSC9-related conditions. Algorithms developed to predict the effect of missense changes on protein structure and function are either unavailable or do not agree on the potential impact of this missense change (SIFT: "Deleterious"; PolyPhen-2: "Benign"; Align-GVGD: "Class C35").